The following is an entry in ClinVar:

ClinVar aggregate classification (germline): Benign. Review status: criteria provided, multiple submitters, no conflicts (2 of 4 stars). 2 submissions from 2 submitters: Benign (2). Last evaluated 2018-06-14.

Allele frequency attached by ClinVar (database versions not stated): gnomAD exomes 0.24074; gnomAD 0.35890 and 0.36659; 1000 Genomes Project 0.38299; TOPMed 0.39028; 1000 Genomes Project 30x 0.39553.
gnomAD v4.1: 222,117 of 844,292 alleles (26%); highest among the groups gnomAD compares: African/African-American, 68%; 35,855 homozygotes.

Submissions (2):

GeneDx
Classification: Benign. Last evaluated: 2018-06-14. Review status: criteria provided, single submitter. Criteria: GeneDx Variant Classification (06012015). Collection method: clinical testing. Allele origin: germline. Affected: yes.
Comment: This variant is considered likely benign or benign based on one or more of the following criteria: it is a conservative change, it occurs at a poorly conserved position in the protein, it is predicted to be benign by multiple in silico algorithms, and/or has population frequency not consistent with disease.

Breakthrough Genomics
Classification: Benign. Review status: criteria provided, single submitter. Criteria: ACMG Guidelines, 2015. Collection method: not provided. Allele origin: germline. Inheritance: Autosomal recessive inheritance. Affected: yes.

NM_032380.5(GFM2):c.304+79T>C

Gene: GFM2 (GTP dependent ribosome recycling factor mitochondrial 2; minus strand). Cytogenetic location: 5q13.3.
Variant type: single nucleotide variant.
Coding change: c.304+79T>C on transcript NM_032380.5 (MANE Select); 79 bases into the intron after coding-DNA position 304, T replaced by C.
Molecular consequence: intron variant.
Genome position (GRCh38, 1-based): chr5:74,758,770, A>G on the plus strand (T>C on the coding strand, the complement: GFM2 is on the minus strand). VCF-style: chr5-74758770-A-G. GRCh37 (hg19) VCF-style: chr5-74054595-A-G.
Other names: c.304+79T>C (NM_170691.3, NM_170681.3); c.400+79T>C (NM_001281302.2).
Identifiers: ClinVar variation 676215 (VCV000676215.2), dbSNP rs10515191, ClinGen allele CA15389679.